The following is an entry in ClinVar:

NM_020877.5(DNAH2):c.3817A>T (p.Lys1273Ter)

Gene: DNAH2 (dynein axonemal heavy chain 2; plus strand). Cytogenetic location: 17p13.1.
Variant type: single nucleotide variant.
Coding change: c.3817A>T on transcript NM_020877.5 (MANE Select); coding-DNA position 3817, A replaced by T.
Protein change: p.Lys1273Ter; replaces lysine 1273 with a stop codon.
Molecular consequence: nonsense.
Genome position (GRCh38, 1-based): chr17:7,768,041, A>T. VCF-style: chr17-7768041-A-T. GRCh37 (hg19) VCF-style: chr17-7671359-A-T.
Other names: short protein forms K1273*.
Identifiers: ClinVar variation 4845916 (VCV004845916.1).
Genomic context (GRCh38, chr17:7,768,041, plus strand): 5'-CTGATCCTGCAGACGGAAACCATGGAGACCACGGCCCACGGGCTGTTTCGTCGCCTCACA[A>T]AATTAGCCAAAGAGTATAAGGTGGGGAGAAACGGCGGGGAGGCGGAAGAGAAGCTGGTGG-3'

ClinVar aggregate classification (germline): Likely pathogenic (1 of 4 stars; one submission).

Conditions:
Spermatogenic failure 45. Identifiers: MedGen C5436791, MONDO:0033671, OMIM 619094.

Submission:

First Genomix Gene Laboratory, Genetic Diagnostics Department
Classification: Likely pathogenic for Spermatogenic failure 45. Last evaluated: 2025-07-14. Review status: criteria provided, single submitter. Criteria: ACMG Guidelines, 2015. Collection method: clinical testing. Allele origin: germline. Inheritance: Autosomal recessive inheritance. Affected: no. Observed: 1 variant allele.